The following is an entry in ClinVar:

ClinVar aggregate classification (germline): Likely pathogenic (1 of 4 stars; one submission).

Conditions:
Neuropathy, hereditary sensory and autonomic, type 2B (HSAN2B). Also called: RETREG1-Related HSAN2 (HSAN2B). Identifiers: Orphanet 970, MedGen C2751092, MONDO:0013142, OMIM 613115.

gnomAD v4.1: 1 of 1,612,216 alleles (0.000062%); highest among the groups gnomAD compares: Non-Finnish European, 0.000085%; no homozygotes.

Submission:

ARUP Laboratories, Molecular Genetics and Genomics, ARUP Laboratories
Classification: Likely pathogenic for Neuropathy, hereditary sensory and autonomic, type 2B. Last evaluated: 2022-09-20. Review status: criteria provided, single submitter. Criteria: ARUP Molecular Germline Variant Investigation Process 2021. Collection method: clinical testing. Allele origin: germline.
Comment: The RETREG1 c.775G>T; p.Glu259Ter variant (rs751185980), to our knowledge, is not reported in the medical literature or gene specific databases. This variant is also absent from the Genome Aggregation Database, indicating it is not a common polymorphism. This variant induces an early termination codon and is predicted to result in a truncated protein or mRNA subject to nonsense-mediated decay. Based on available information, this variant is considered to be likely pathogenic.

NM_001034850.3(RETREG1):c.775G>T (p.Glu259Ter)

Gene: RETREG1 (reticulophagy regulator 1; minus strand). Cytogenetic location: 5p15.1.
Variant type: single nucleotide variant.
Coding change: c.775G>T on transcript NM_001034850.3 (MANE Select); coding-DNA position 775, G replaced by T.
Protein change: p.Glu259Ter; replaces glutamic acid 259 with a stop codon.
Molecular consequence: nonsense.
Genome position (GRCh38, 1-based): chr5:16,478,883, C>A on the plus strand (G>T on the coding strand, the complement: RETREG1 is on the minus strand). VCF-style: chr5-16478883-C-A. GRCh37 (hg19) VCF-style: chr5-16478992-C-A.
Other names: c.352G>T, p.Glu118Ter (NM_019000.5); short protein forms E118*, E259*.
Identifiers: ClinVar variation 2428731 (VCV002428731.3), dbSNP rs751185980, ClinGen allele CA359258476.
Genomic context (GRCh38, chr5:16,478,883, plus strand): 5'-AGAATCTAAAATATAAACTTTACCTACCAGATCTCTCACGTTTCTTCTGATTAATATATT[C>A]TCCAATTCCAAAATCCAGTTTCAGCAGAACTGACTTAATTTTGCTGTAAATTTTTTGTCC-3'